The following is an entry in ClinVar:

ClinVar aggregate classification (germline): Uncertain significance (1 of 4 stars; one submission).

Allele frequency attached by ClinVar (database versions not stated): ExAC 0.00001; gnomAD 0.00002; TOPMed 0.00002; gnomAD exomes 0.00006.
gnomAD v4.1: 93 of 1,614,030 alleles (0.0058%); highest among the groups gnomAD compares: Non-Finnish European, 0.0073%; no homozygotes.

Submission:

Labcorp Genetics (formerly Invitae), Labcorp
Classification: Uncertain significance. Last evaluated: 2022-04-10. Review status: criteria provided, single submitter. Criteria: Invitae Variant Classification Sherloc (09022015). Collection method: clinical testing. Allele origin: germline.
Comment: In summary, the available evidence is currently insufficient to determine the role of this variant in disease. Therefore, it has been classified as a Variant of Uncertain Significance. Algorithms developed to predict the effect of missense changes on protein structure and function (SIFT, PolyPhen-2, Align-GVGD) all suggest that this variant is likely to be tolerated. This variant has not been reported in the literature in individuals affected with PDE8B-related conditions. This variant is present in population databases (rs752084897, gnomAD 0.004%). This sequence change replaces lysine, which is basic and polar, with arginine, which is basic and polar, at codon 773 of the PDE8B protein (p.Lys773Arg).

NM_003719.5(PDE8B):c.2318A>G (p.Lys773Arg)

Gene: PDE8B (phosphodiesterase 8B; plus strand). Cytogenetic location: 5q13.3.
Variant type: single nucleotide variant.
Coding change: c.2318A>G on transcript NM_003719.5 (MANE Select); coding-DNA position 2318, A replaced by G.
Protein change: p.Lys773Arg; replaces lysine 773 with arginine.
Molecular consequence: missense variant.
Genome position (GRCh38, 1-based): chr5:77,421,888, A>G. VCF-style: chr5-77421888-A-G. GRCh37 (hg19) VCF-style: chr5-76717713-A-G.
Other names: c.2027A>G, p.Lys676Arg (NM_001029851.4); c.2153A>G, p.Lys718Arg (NM_001029852.4); c.2258A>G, p.Lys753Arg (NM_001029853.4); c.2177A>G, p.Lys726Arg (NM_001029854.4); c.2315A>G, p.Lys772Arg (NM_001349748.3, NM_001349751.3); c.2381A>G, p.Lys794Arg (NM_001349749.3); c.2078A>G, p.Lys693Arg (NM_001349750.3); c.2012A>G, p.Lys671Arg (NM_001349752.3); and 12 more; short protein forms K624R, K625R, K671R, K676R, K770R, K772R, K645R, K649R.
Identifiers: ClinVar variation 1937468 (VCV001937468.5), dbSNP rs752084897, ClinGen allele CA3315481.
Genomic context (GRCh38, chr5:77,421,888, plus strand): 5'-GCAGCGACTGTGAATGCAACCCTGCTGGGAAGAACTTCCCTGAAAACCAAATCCTGATCA[A>G]ACGCATGATGATTAAGTGTGCTGACGTGGCCAACCCATGCCGCCCCTTGGACCTGTGCAT-3'
Protein context (NP_003710.1, residues 763-783): KNFPENQILI[Lys773Arg]RMMIKCADVA